The following is an entry in ClinVar:

NM_000426.4(LAMA2):c.2137A>G (p.Thr713Ala)

Gene: LAMA2 (laminin subunit alpha 2; plus strand). Cytogenetic location: 6q22.33.
Variant type: single nucleotide variant.
Coding change: c.2137A>G on transcript NM_000426.4 (MANE Select); coding-DNA position 2137, A replaced by G.
Protein change: p.Thr713Ala; replaces threonine 713 with alanine.
Molecular consequence: missense variant.
Genome position (GRCh38, 1-based): chr6:129,260,751, A>G. VCF-style: chr6-129260751-A-G. GRCh37 (hg19) VCF-style: chr6-129581896-A-G.
Other names: c.2137A>G, p.Thr713Ala (NM_001079823.2); short protein forms T713A.
Identifiers: ClinVar variation 1011263 (VCV001011263.10), dbSNP rs1787062040, ClinGen allele CA365608551.
Genomic context (GRCh38, chr6:129,260,751, plus strand): 5'-TCTTTTTTCCTCTGCCATAGGTTGAGCTCTGTTAACCTTGAATCCGCTGTCTCCTATCCT[A>G]CTGATGGAAGCATTGCAGCAGCTGTAGAAGTGTGTCAGTGCCCACCAGGGTATACTGGCT-3'
Protein context (NP_000417.3, residues 703-723): VNLESAVSYP[Thr713Ala]DGSIAAAVEV

ClinVar aggregate classification (germline): Uncertain significance (1 of 4 stars; one submission).

Conditions:
LAMA2-related muscular dystrophy (LAMA2-RD). Also called: Laminin alpha 2-related dystrophy. Identifiers: MedGen C5679788, MONDO:0100228.

gnomAD v4.1: 2 of 1,612,748 alleles (0.00012%); highest among the groups gnomAD compares: Non-Finnish European, 0.00017%; no homozygotes.

Submission:

Labcorp Genetics (formerly Invitae), Labcorp
Classification: Uncertain significance for LAMA2-related muscular dystrophy. Last evaluated: 2020-01-29. Review status: criteria provided, single submitter. Criteria: Invitae Variant Classification Sherloc (09022015). Collection method: clinical testing. Allele origin: germline.
Comment: In summary, the available evidence is currently insufficient to determine the role of this variant in disease. Therefore, it has been classified as a Variant of Uncertain Significance. Algorithms developed to predict the effect of missense changes on protein structure and function (SIFT, PolyPhen-2, Align-GVGD) all suggest that this variant is likely to be tolerated, but these predictions have not been confirmed by published functional studies and their clinical significance is uncertain. This variant has not been reported in the literature in individuals with LAMA2-related conditions. This variant is not present in population databases (ExAC no frequency). This sequence change replaces threonine with alanine at codon 713 of the LAMA2 protein (p.Thr713Ala). The threonine residue is moderately conserved and there is a small physicochemical difference between threonine and alanine.